The following is an entry in ClinVar:

NM_001040142.2(SCN2A):c.1137T>C (p.Arg379=)

Gene: SCN2A (sodium voltage-gated channel alpha subunit 2; plus strand). Cytogenetic location: 2q24.3.
Variant type: single nucleotide variant.
Coding change: c.1137T>C on transcript NM_001040142.2 (MANE Select); coding-DNA position 1137, T replaced by C.
Protein change: p.Arg379=; no amino-acid change (arginine 379 retained).
Molecular consequence: synonymous variant.
Genome position (GRCh38, 1-based): chr2:165,313,722, T>C. VCF-style: chr2-165313722-T-C. GRCh37 (hg19) VCF-style: chr2-166170232-T-C.
Other names: p.R379R:CGT>CGC; c.1137T>C, p.Arg379= (NM_001040143.2, NM_001371246.1, NM_001371247.1 and 1 more transcripts).
Identifiers: ClinVar variation 139025 (VCV000139025.10), dbSNP rs587781154, ClinGen allele CA293276.

ClinVar aggregate classification (germline): Benign/Likely benign. Review status: criteria provided, multiple submitters, no conflicts (2 of 4 stars). 3 submissions from 3 submitters: Benign (1); Likely benign (2). Last evaluated 2022-10-03.

Conditions:
Seizures, benign familial infantile, 3 (BFIS3). Also called: Familial neonatal seizures; CONVULSIONS, BENIGN FAMILIAL INFANTILE, 3. Identifiers: Orphanet 140927, Orphanet 306, MedGen C1843140, MONDO:0011904, OMIM 607745.
Developmental and epileptic encephalopathy, 11 (DEE11). Also called: Early infantile epileptic encephalopathy 11. Identifiers: Orphanet 1934, MedGen C3150987, MONDO:0013388, OMIM 613721.

Allele frequency attached by ClinVar (database versions not stated): gnomAD 0.00001; gnomAD exomes 0.00001; ExAC 0.00002; TOPMed 0.00002.
gnomAD v4.1: 15 of 1,613,576 alleles (0.00093%); highest among the groups gnomAD compares: Non-Finnish European, 0.0013%; no homozygotes.

Submissions (3):

Labcorp Genetics (formerly Invitae), Labcorp
Classification: Likely benign for Seizures, benign familial infantile, 3; Developmental and epileptic encephalopathy, 11. Last evaluated: 2022-10-03. Review status: criteria provided, single submitter. Criteria: Invitae Variant Classification Sherloc (09022015). Collection method: clinical testing. Allele origin: germline.

Blueprint Genetics
Classification: Likely benign. Last evaluated: 2021-08-02. Review status: criteria provided, single submitter. Criteria: ACMG Guidelines, 2015. Collection method: clinical testing. Allele origin: germline.

GeneDx
Classification: Benign. Last evaluated: 2013-10-29. Review status: criteria provided, single submitter. Criteria: GeneDx Variant Classification (06012015). Collection method: clinical testing. Allele origin: germline. Affected: yes.
Comment: This variant is considered likely benign or benign based on one or more of the following criteria: it is a conservative change, it occurs at a poorly conserved position in the protein, it is predicted to be benign by multiple in silico algorithms, and/or has population frequency not consistent with disease.